The following is an entry in ClinVar:

NM_145290.4(ADGRA3):c.3712G>A (p.Asp1238Asn)

Gene: ADGRA3 (adhesion G protein-coupled receptor A3; minus strand). Cytogenetic location: 4p15.2.
Variant type: single nucleotide variant.
Coding change: c.3712G>A on transcript NM_145290.4 (MANE Select); coding-DNA position 3712, G replaced by A.
Protein change: p.Asp1238Asn; replaces aspartic acid 1238 with asparagine.
Molecular consequence: missense variant.
Genome position (GRCh38, 1-based): chr4:22,387,959, C>T on the plus strand (G>A on the coding strand, the complement: ADGRA3 is on the minus strand). VCF-style: chr4-22387959-C-T. GRCh37 (hg19) VCF-style: chr4-22389582-C-T.
Other names: short protein forms D1238N.
Identifiers: ClinVar variation 836404 (VCV000836404.10), dbSNP rs151117015, ClinGen allele CA2873310.

ClinVar aggregate classification (germline): Uncertain significance (1 of 4 stars; one submission).

Allele frequency attached by ClinVar (database versions not stated): gnomAD exomes 0.00002 and 0.00008; ExAC 0.00011; ESP Exome Variant Server 0.00015; 1000 Genomes Project 30x 0.00016; 1000 Genomes Project 0.00020; gnomAD 0.00021 and 0.00024; TOPMed 0.00024.
gnomAD v4.1: 65 of 1,614,138 alleles (0.004%); highest among the groups gnomAD compares: African/African-American, 0.065%; no homozygotes.

Submission:

Labcorp Genetics (formerly Invitae), Labcorp
Classification: Uncertain significance. Last evaluated: 2025-03-31. Review status: criteria provided, single submitter. Criteria: Invitae Variant Classification Sherloc (09022015). Collection method: clinical testing. Allele origin: germline.
Comment: This sequence change replaces aspartic acid, which is acidic and polar, with asparagine, which is neutral and polar, at codon 1238 of the ADGRA3 protein (p.Asp1238Asn). This variant is present in population databases (rs151117015, gnomAD 0.1%), and has an allele count higher than expected for a pathogenic variant. This variant has not been reported in the literature in individuals affected with ADGRA3-related conditions. ClinVar contains an entry for this variant (Variation ID: 836404). An algorithm developed to predict the effect of missense changes on protein structure and function (PolyPhen-2) suggests that this variant is likely to be disruptive. In summary, the available evidence is currently insufficient to determine the role of this variant in disease. Therefore, it has been classified as a Variant of Uncertain Significance.